The following is an entry in ClinVar:

ClinVar aggregate classification (germline): Uncertain significance (0 of 4 stars; one submission).

Conditions:
MAN2C1-related disorder. Also called: MAN2C1-related condition.

Allele frequency attached by ClinVar (database versions not stated): gnomAD exomes 0.00003; ExAC 0.00009; 1000 Genomes Project 0.00020; gnomAD 0.00023; 1000 Genomes Project 30x 0.00031; TOPMed 0.00031; ESP Exome Variant Server 0.00046.
gnomAD v4.1: 80 of 1,613,256 alleles (0.005%); highest among the groups gnomAD compares: African/African-American, 0.079%; no homozygotes.

Submission:

PreventionGenetics, part of Exact Sciences
Classification: Uncertain significance for MAN2C1-related condition. Last evaluated: 2024-05-06. Review status: no assertion criteria provided. Collection method: clinical testing. Allele origin: germline.
Comment: The MAN2C1 c.2215G>A variant is predicted to result in the amino acid substitution p.Val739Met. To our knowledge, this variant has not been reported in the literature. This variant is reported in 0.077% of alleles in individuals of African descent in gnomAD. At this time, the clinical significance of this variant is uncertain due to the absence of conclusive functional and genetic evidence.

NM_006715.4(MAN2C1):c.2164G>A (p.Val722Met)

Gene: MAN2C1 (mannosidase alpha class 2C member 1; minus strand). Cytogenetic location: 15q24.2.
Variant type: single nucleotide variant.
Coding change: c.2164G>A on transcript NM_006715.4 (MANE Select); coding-DNA position 2164, G replaced by A.
Protein change: p.Val722Met; replaces valine 722 with methionine.
Molecular consequence: missense variant.
Genome position (GRCh38, 1-based): chr15:75,358,786, C>T on the plus strand (G>A on the coding strand, the complement: MAN2C1 is on the minus strand). VCF-style: chr15-75358786-C-T. GRCh37 (hg19) VCF-style: chr15-75651127-C-T.
Other names: c.2215G>A, p.Val739Met (NM_001256494.2); c.2164G>A, p.Val722Met (NM_001256495.2); c.1867G>A, p.Val623Met (NM_001256496.2); short protein forms V623M, V722M, V739M.
Identifiers: ClinVar variation 2636037 (VCV002636037.2), dbSNP rs140277288, ClinGen allele CA7666331.
Genomic context (GRCh38, chr15:75,358,786, plus strand): 5'-TGACGTCCCATGCATCCCAGTACAAGGGGACATCATCAAATAGCACAAACTGGTTCCCCA[C>T]GGCGCCCTCAGCAATGGCCTCCCTGGAAGGACATGGGATTGGTGCTGTACAACCAACTGA-3'
Protein context (NP_006706.2, residues 712-732): SGREAIAEGA[Val722Met]GNQFVLFDDV